The following is an entry in ClinVar:

ClinVar aggregate classification (germline): Uncertain significance (1 of 4 stars; one submission).

Submission:

Labcorp Genetics (formerly Invitae), Labcorp
Classification: Uncertain significance. Last evaluated: 2022-10-25. Review status: criteria provided, single submitter. Criteria: Invitae Variant Classification Sherloc (09022015). Collection method: clinical testing. Allele origin: germline.
Comment: In summary, the available evidence is currently insufficient to determine the role of this variant in disease. Therefore, it has been classified as a Variant of Uncertain Significance. Advanced modeling of protein sequence and biophysical properties (such as structural, functional, and spatial information, amino acid conservation, physicochemical variation, residue mobility, and thermodynamic stability) performed at Invitae indicates that this missense variant is not expected to disrupt CACNA1F protein function. This variant has not been reported in the literature in individuals affected with CACNA1F-related conditions. This variant is not present in population databases (gnomAD no frequency). This sequence change replaces isoleucine, which is neutral and non-polar, with valine, which is neutral and non-polar, at codon 1000 of the CACNA1F protein (p.Ile1000Val).

NM_001256789.3(CACNA1F):c.2965A>G (p.Ile989Val)

Gene: CACNA1F (calcium voltage-gated channel subunit alpha1 F; minus strand). Cytogenetic location: Xp11.23.
Variant type: single nucleotide variant.
Coding change: c.2965A>G on transcript NM_001256789.3 (MANE Select); coding-DNA position 2965, A replaced by G.
Protein change: p.Ile989Val; replaces isoleucine 989 with valine.
Molecular consequence: missense variant.
Genome position (GRCh38, 1-based): chrX:49,217,969, T>C on the plus strand (A>G on the coding strand, the complement: CACNA1F is on the minus strand). VCF-style: chrX-49217969-T-C. GRCh37 (hg19) VCF-style: chrX-49074428-T-C.
Other names: c.2803A>G, p.Ile935Val (NM_001256790.3); c.2998A>G, p.Ile1000Val (NM_005183.4); short protein forms I1000V, I935V, I989V.
Identifiers: ClinVar variation 1717193 (VCV001717193.6), dbSNP rs2520906457, ClinGen allele CA412964477.